The following is an entry in ClinVar:

NM_000455.5(STK11):c.1001G>A (p.Ser334Asn)

Genes: STK11 (serine/threonine kinase 11; plus strand), LOC130062899 (ATAC-STARR-seq lymphoblastoid active region 13597; plus strand). Cytogenetic location: 19p13.3.
Variant type: single nucleotide variant.
Coding change: c.1001G>A on transcript NM_000455.5 (MANE Select); coding-DNA position 1001, G replaced by A.
Protein change: p.Ser334Asn; replaces serine 334 with asparagine.
Molecular consequence: missense variant.
Genome position (GRCh38, 1-based): chr19:1,223,065, G>A. VCF-style: chr19-1223065-G-A. GRCh37 (hg19) VCF-style: chr19-1223064-G-A.
Other names: short protein forms S334N.
Identifiers: ClinVar variation 818234 (VCV000818234.9), dbSNP rs1342275430, ClinGen allele CA402951669.

ClinVar aggregate classification (germline): Conflicting classifications of pathogenicity. Review status: criteria provided, conflicting classifications (1 of 4 stars). 3 submissions from 3 submitters: Uncertain significance (2); Likely benign (1). Last evaluated 2025-10-06.

Conditions:
Peutz-Jeghers syndrome (PJS). Also called: Peutz-Jeghers polyposis; Periorificial lentiginosis syndrome; POLYPOSIS, HAMARTOMATOUS INTESTINAL; POLYPS-AND-SPOTS SYNDROME. Identifiers: Orphanet 2869, MedGen C0031269, MeSH D010580, MONDO:0008280, OMIM 175200.
Hereditary cancer-predisposing syndrome. Also called: Hereditary Cancer Syndrome; Neoplastic Syndromes, Hereditary; Hereditary neoplastic syndrome; Tumor predisposition. Identifiers: Orphanet 140162, MedGen C0027672, MeSH D009386, MONDO:0015356.

Allele frequency attached by ClinVar (database versions not stated): gnomAD exomes below 0.00001.
gnomAD v4.1: 1 of 1,606,782 alleles (0.000062%); highest among the groups gnomAD compares: South Asian, 0.0011%; no homozygotes.

Submissions (3):

Labcorp Genetics (formerly Invitae), Labcorp
Classification: Uncertain significance for Peutz-Jeghers syndrome. Last evaluated: 2025-10-06. Review status: criteria provided, single submitter. Criteria: Invitae Variant Classification Sherloc (09022015). Collection method: clinical testing. Allele origin: germline.
Comment: This sequence change replaces serine, which is neutral and polar, with asparagine, which is neutral and polar, at codon 334 of the STK11 protein (p.Ser334Asn). The frequency data for this variant in the population databases is considered unreliable, as metrics indicate poor data quality at this position in the gnomAD database. This variant has not been reported in the literature in individuals affected with STK11-related conditions. ClinVar contains an entry for this variant (Variation ID: 818234). Invitae Evidence Modeling of protein sequence and biophysical properties (such as structural, functional, and spatial information, amino acid conservation, physicochemical variation, residue mobility, and thermodynamic stability) indicates that this missense variant is not expected to disrupt STK11 protein function with a negative predictive value of 95%. In summary, the available evidence is currently insufficient to determine the role of this variant in disease. Therefore, it has been classified as a Variant of Uncertain Significance.

Ambry Genetics
Classification: Likely benign for Hereditary cancer-predisposing syndrome. Last evaluated: 2024-01-24. Review status: criteria provided, single submitter. Criteria: Ambry Variant Classification Scheme 2023. Collection method: clinical testing. Allele origin: germline.

Color Diagnostics, LLC DBA Color Health
Classification: Uncertain significance for Hereditary cancer-predisposing syndrome. Last evaluated: 2021-07-26. Review status: criteria provided, single submitter. Criteria: ACMG Guidelines, 2015. Collection method: clinical testing. Allele origin: germline.
Comment: This missense variant replaces serine with asparagine at codon 334 of the STK11 protein. Computational prediction suggests that this variant may not impact protein structure and function (internally defined REVEL score threshold <= 0.5, PMID: 27666373). To our knowledge, functional studies have not been reported for this variant. This variant has not been reported in individuals affected with hereditary cancer in the literature. This variant has not been identified in the general population by the Genome Aggregation Database (gnomAD). The available evidence is insufficient to determine the role of this variant in disease conclusively. Therefore, this variant is classified as a Variant of Uncertain Significance.